The following is an entry in ClinVar:

NM_001572.5(IRF7):c.761C>T (p.Thr254Met)

Gene: IRF7 (interferon regulatory factor 7; minus strand). Cytogenetic location: 11p15.5.
Variant type: single nucleotide variant.
Coding change: c.761C>T on transcript NM_001572.5 (MANE Select); coding-DNA position 761, C replaced by T.
Protein change: p.Thr254Met; replaces threonine 254 with methionine.
Molecular consequence: missense variant. On other transcripts: intron variant (1).
Genome position (GRCh38, 1-based): chr11:613,956, G>A on the plus strand (C>T on the coding strand, the complement: IRF7 is on the minus strand). VCF-style: chr11-613956-G-A. GRCh37 (hg19) VCF-style: chr11-613956-G-A.
Other names: c.800C>T, p.Thr267Met (NM_004031.4); c.680-91C>T (NM_004029.4); short protein forms T254M, T267M.
Identifiers: ClinVar variation 954827 (VCV000954827.10), dbSNP rs571836045, ClinGen allele CA5783795.

ClinVar aggregate classification (germline): Uncertain significance (1 of 4 stars; one submission).

Conditions:
Immunodeficiency 39 (IMD39). Identifiers: Orphanet 574918, MedGen C4225358, MONDO:0014597, OMIM 616345.

Allele frequency attached by ClinVar (database versions not stated): gnomAD 0.00001; gnomAD exomes 0.00001; ExAC 0.00002; 1000 Genomes Project 30x 0.00016; 1000 Genomes Project 0.00020.
gnomAD v4.1: 7 of 1,606,418 alleles (0.00044%); highest among the groups gnomAD compares: Middle Eastern, 0.017%; no homozygotes.

Submission:

Labcorp Genetics (formerly Invitae), Labcorp
Classification: Uncertain significance for Immunodeficiency 39. Last evaluated: 2019-11-05. Review status: criteria provided, single submitter. Criteria: Invitae Variant Classification Sherloc (09022015). Collection method: clinical testing. Allele origin: germline.
Comment: In summary, the available evidence is currently insufficient to determine the role of this variant in disease. Therefore, it has been classified as a Variant of Uncertain Significance. Algorithms developed to predict the effect of missense changes on protein structure and function output the following: SIFT: "Tolerated"; PolyPhen-2: "Benign"; Align-GVGD: "Class C0". The methionine amino acid residue is found in multiple mammalian species, suggesting that this missense change does not adversely affect protein function. These predictions have not been confirmed by published functional studies and their clinical significance is uncertain. This variant has not been reported in the literature in individuals with IRF7-related conditions. This variant is present in population databases (rs571836045, ExAC 0.01%). This sequence change replaces threonine with methionine at codon 267 of the IRF7 protein (p.Thr267Met). The threonine residue is weakly conserved and there is a moderate physicochemical difference between threonine and methionine.